The following is an entry in ClinVar:

NM_199420.4(POLQ):c.4767A>C (p.Arg1589Ser)

Gene: POLQ (DNA polymerase theta; minus strand). Cytogenetic location: 3q13.33.
Variant type: single nucleotide variant.
Coding change: c.4767A>C on transcript NM_199420.4 (MANE Select); coding-DNA position 4767, A replaced by C.
Protein change: p.Arg1589Ser; replaces arginine 1589 with serine.
Molecular consequence: missense variant.
Genome position (GRCh38, 1-based): chr3:121,488,164, T>G on the plus strand (A>C on the coding strand, the complement: POLQ is on the minus strand). VCF-style: chr3-121488164-T-G. GRCh37 (hg19) VCF-style: chr3-121207011-T-G.
Other names: short protein forms R1589S.
Identifiers: ClinVar variation 1742925 (VCV001742925.2), dbSNP rs774385526, ClinGen allele CA2562847.

ClinVar aggregate classification (germline): Uncertain significance (1 of 4 stars; one submission).

Allele frequency attached by ClinVar (database versions not stated): gnomAD exomes below 0.00001; ExAC 0.00001; TOPMed 0.00001; gnomAD 0.00003.

Submission:

Ambry Genetics
Classification: Uncertain significance. Last evaluated: 2022-08-29. Review status: criteria provided, single submitter. Criteria: Ambry Variant Classification Scheme 2023. Collection method: clinical testing. Allele origin: germline.
Comment: The p.R1589S variant (also known as c.4767A>C), located in coding exon 16 of the POLQ gene, results from an A to C substitution at nucleotide position 4767. The arginine at codon 1589 is replaced by serine, an amino acid with dissimilar properties. This amino acid position is conserved. In addition, this alteration is predicted to be tolerated by in silico analysis. Since supporting evidence is limited at this time, the clinical significance of this alteration remains unclear.